The following is an entry in ClinVar:

ClinVar aggregate classification (germline): Uncertain significance (1 of 4 stars; one submission).

Submission:

Labcorp Genetics (formerly Invitae), Labcorp
Classification: Uncertain significance. Last evaluated: 2025-08-11. Review status: criteria provided, single submitter. Criteria: Invitae Variant Classification Sherloc (09022015). Collection method: clinical testing. Allele origin: germline.
Comment: This sequence change replaces glutamine, which is neutral and polar, with proline, which is neutral and non-polar, at codon 2797 of the KMT2A protein (p.Gln2797Pro). This variant is not present in population databases (gnomAD no frequency). This variant has not been reported in the literature in individuals affected with KMT2A-related conditions. ClinVar contains an entry for this variant (Variation ID: 2128183). Invitae Evidence Modeling of protein sequence and biophysical properties (such as structural, functional, and spatial information, amino acid conservation, physicochemical variation, residue mobility, and thermodynamic stability) has been performed for this missense variant. However, the output from this modeling did not meet the statistical confidence thresholds required to predict the impact of this variant on KMT2A protein function. In summary, the available evidence is currently insufficient to determine the role of this variant in disease. Therefore, it has been classified as a Variant of Uncertain Significance.

NM_001197104.2(KMT2A):c.8390A>C (p.Gln2797Pro)

Gene: KMT2A (lysine methyltransferase 2A; plus strand). Cytogenetic location: 11q23.3.
Variant type: single nucleotide variant.
Coding change: c.8390A>C on transcript NM_001197104.2 (MANE Select); coding-DNA position 8390, A replaced by C.
Protein change: p.Gln2797Pro; replaces glutamine 2797 with proline.
Molecular consequence: missense variant.
Genome position (GRCh38, 1-based): chr11:118,504,282, A>C. VCF-style: chr11-118504282-A-C. GRCh37 (hg19) VCF-style: chr11-118374997-A-C.
Other names: c.8480A>C, p.Gln2827Pro (NM_001412597.1); c.8381A>C, p.Gln2794Pro (NM_005933.4); short protein forms Q2794P, Q2827P, Q2797P.
Identifiers: ClinVar variation 2128183 (VCV002128183.4), dbSNP rs2497009498, ClinGen allele CA382813362.